The following is an entry in ClinVar:

NM_004115.4(FGF14):c.*1741T>C

Gene: FGF14 (fibroblast growth factor 14; minus strand). Cytogenetic location: 13q33.1.
Variant type: single nucleotide variant.
Coding change: c.*1741T>C on transcript NM_004115.4 (MANE Select); 1741 bases downstream of the stop codon, T replaced by C.
Molecular consequence: 3 prime UTR variant.
Genome position (GRCh38, 1-based): chr13:101,721,090, A>G on the plus strand (T>C on the coding strand, the complement: FGF14 is on the minus strand). VCF-style: chr13-101721090-A-G. GRCh37 (hg19) VCF-style: chr13-102373440-A-G.
Other names: c.*1741T>C (NM_001321931.1, NM_001321932.1, NM_001321933.1 and 17 more transcripts).
Identifiers: ClinVar variation 310861 (VCV000310861.5), dbSNP rs529644559, ClinGen allele CA10642688.

ClinVar aggregate classification (germline): Likely benign (1 of 4 stars; one submission).

Conditions:
Spinocerebellar ataxia type 27 (SCA27). Identifiers: Orphanet 98764, MedGen C1836383, MONDO:0012247.

Allele frequency attached by ClinVar (database versions not stated): gnomAD 0.00004 and 0.00058; TOPMed 0.00012; 1000 Genomes Project 30x 0.00265; 1000 Genomes Project 0.00300.

Submission:

Illumina Laboratory Services, Illumina
Classification: Likely benign for Spinocerebellar ataxia 27A. Last evaluated: 2017-04-27. Review status: criteria provided, single submitter. Criteria: ICSL Variant Classification Criteria 13 December 2019. Collection method: clinical testing. Allele origin: germline.
Comment: This variant was observed as part of a predisposition screen in an ostensibly healthy population. A literature search was performed for the gene, cDNA change, and amino acid change (where applicable). No publications were found based on this search. Allele frequency data from public databases allowed determination this variant is unlikely to cause disease. Therefore, this variant is classified as likely benign.